The following is an entry in ClinVar:

NM_173086.5(KRT6C):c.183G>A (p.Leu61=)

Gene: KRT6C (keratin 6C; minus strand). Cytogenetic location: 12q13.13.
Variant type: single nucleotide variant.
Coding change: c.183G>A on transcript NM_173086.5 (MANE Select); coding-DNA position 183, G replaced by A.
Protein change: p.Leu61=; no amino-acid change (leucine 61 retained).
Molecular consequence: synonymous variant.
Genome position (GRCh38, 1-based): chr12:52,473,555, C>T on the plus strand (G>A on the coding strand, the complement: KRT6C is on the minus strand). VCF-style: chr12-52473555-C-T. GRCh37 (hg19) VCF-style: chr12-52867339-C-T.
Other names: c.183G>A (NM_173086.4).
Identifiers: ClinVar variation 1300101 (VCV001300101.5), dbSNP rs2885799, ClinGen allele CA6581638.

ClinVar aggregate classification (germline): Benign. Review status: criteria provided, multiple submitters, no conflicts (2 of 4 stars). 3 submissions from 3 submitters: Benign (2). 1 of the submissions does not count toward it. Last evaluated 2021-08-19.

Conditions:
KRT6C-related disorder. Also called: KRT6C-related condition.
Palmoplantar keratoderma, nonepidermolytic, focal or diffuse (PPKNEFD). Also called: PALMOPLANTAR KERATODERMA, FOCAL OR DIFFUSE. Identifiers: Orphanet 402003, MedGen C3810394, MONDO:0014327, OMIM 615735.

Allele frequency attached by ClinVar (database versions not stated): gnomAD 0.25049; 1000 Genomes Project 0.25679; gnomAD exomes 0.30581.

Submissions (3):

Genome-Nilou Lab
Classification: Benign for Palmoplantar keratoderma, nonepidermolytic, focal or diffuse. Last evaluated: 2021-08-19. Review status: criteria provided, single submitter. Criteria: ACMG Guidelines, 2015. Collection method: clinical testing. Allele origin: germline. Affected: no.

Breakthrough Genomics
Classification: Benign. Review status: criteria provided, single submitter. Criteria: ACMG Guidelines, 2015. Collection method: not provided. Allele origin: germline. Inheritance: Autosomal dominant inheritance. Affected: yes.

PreventionGenetics, part of Exact Sciences
Classification: Benign for KRT6C-related condition. Last evaluated: 2024-01-03. Review status: no assertion criteria provided. Collection method: clinical testing. Allele origin: germline. Not counted in ClinVar's aggregate classification.
Comment: This variant is classified as benign based on ACMG/AMP sequence variant interpretation guidelines (Richards et al. 2015 PMID: 25741868, with internal and published modifications).